The following is an entry in ClinVar:

NM_020433.5(JPH2):c.370G>A (p.Ala124Thr)

Gene: JPH2 (junctophilin 2; minus strand). Cytogenetic location: 20q13.12.
Variant type: single nucleotide variant.
Coding change: c.370G>A on transcript NM_020433.5 (MANE Select); coding-DNA position 370, G replaced by A.
Protein change: p.Ala124Thr; replaces alanine 124 with threonine.
Molecular consequence: missense variant.
Genome position (GRCh38, 1-based): chr20:44,186,336, C>T on the plus strand (G>A on the coding strand, the complement: JPH2 is on the minus strand). VCF-style: chr20-44186336-C-T. GRCh37 (hg19) VCF-style: chr20-42814976-C-T.
Other names: c.370G>A, p.Ala124Thr (NM_175913.4); short protein forms A124T.
Identifiers: ClinVar variation 1734190 (VCV001734190.2), dbSNP rs150070513, ClinGen allele CA9868888.
Genomic context (GRCh38, chr20:44,186,336, plus strand): 5'-CTCACCCTCCCTGGCTCCACCCCACCTCTGCGGGCCCCCAGCTGGCCTCACCTCCATCAG[C>T]ATAGGTCTCGGTGCCATAGCCGTCTTGCAGGCCATTGTTCCAGGTGCCCTCATACTTGGC-3'
Protein context (NP_065166.2, residues 114-134): LQDGYGTETY[Ala124Thr]DGGTYQGQFT

ClinVar aggregate classification (germline): Uncertain significance (1 of 4 stars; one submission).

Conditions:
Cardiovascular phenotype. Identifiers: MedGen CN230736.

Allele frequency attached by ClinVar (database versions not stated): gnomAD exomes below 0.00001; ExAC 0.00001; gnomAD 0.00003; ESP Exome Variant Server 0.00015.
gnomAD v4.1: 7 of 1,611,344 alleles (0.00043%); highest among the groups gnomAD compares: African/African-American, 0.008%; no homozygotes.

Submission:

Ambry Genetics
Classification: Uncertain significance for Cardiovascular phenotype. Last evaluated: 2019-10-22. Review status: criteria provided, single submitter. Criteria: Ambry Variant Classification Scheme 2023. Collection method: clinical testing. Allele origin: germline.
Comment: The p.A124T variant (also known as c.370G>A), located in coding exon 1 of the JPH2 gene, results from a G to A substitution at nucleotide position 370. The alanine at codon 124 is replaced by threonine, an amino acid with similar properties. This amino acid position is highly conserved in available vertebrate species. In addition, the in silico prediction for this alteration is inconclusive. Since supporting evidence is limited at this time, the clinical significance of this alteration remains unclear.